The following is an entry in ClinVar:

NM_016239.4(MYO15A):c.10154T>C (p.Val3385Ala)

Gene: MYO15A (myosin XVA; plus strand). Cytogenetic location: 17p11.2.
Variant type: single nucleotide variant.
Coding change: c.10154T>C on transcript NM_016239.4 (MANE Select); coding-DNA position 10154, T replaced by C.
Protein change: p.Val3385Ala; replaces valine 3385 with alanine.
Molecular consequence: missense variant.
Genome position (GRCh38, 1-based): chr17:18,171,709, T>C. VCF-style: chr17-18171709-T-C. GRCh37 (hg19) VCF-style: chr17-18075023-T-C.
Other names: short protein forms V3385A.
Identifiers: ClinVar variation 164573 (VCV000164573.12), dbSNP rs376432083, ClinGen allele CA177284.

ClinVar aggregate classification (germline): Conflicting classifications of pathogenicity. Review status: criteria provided, conflicting classifications (1 of 4 stars). 4 submissions from 4 submitters: Uncertain significance (3); Likely benign (1). Last evaluated 2026-01-27.

Conditions:
Inborn genetic diseases. Identifiers: MedGen C0950123, MeSH D030342.

Allele frequency attached by ClinVar (database versions not stated): gnomAD 0.00009 and 0.00007; TOPMed 0.00015; gnomAD exomes 0.00002 and 0.00004; ExAC 0.00004; ESP Exome Variant Server 0.00008.
gnomAD v4.1: 36 of 1,612,824 alleles (0.0022%); highest among the groups gnomAD compares: African/African-American, 0.045%; no homozygotes.

Submissions (4):

Labcorp Genetics (formerly Invitae), Labcorp
Classification: Likely benign. Last evaluated: 2026-01-27. Review status: criteria provided, single submitter. Criteria: Invitae Variant Classification Sherloc (09022015). Collection method: clinical testing. Allele origin: germline.

GeneDx
Classification: Uncertain significance. Last evaluated: 2025-12-18. Review status: criteria provided, single submitter. Criteria: GeneDx Variant Classification Process June 2021. Collection method: clinical testing. Allele origin: germline.
Comment: In silico analysis supports that this missense variant has a deleterious effect on protein structure/function; Has not been previously published as pathogenic or benign to our knowledge

Ambry Genetics
Classification: Uncertain significance for Inborn genetic diseases. Last evaluated: 2023-12-18. Review status: criteria provided, single submitter. Criteria: Ambry Variant Classification Scheme 2023. Collection method: clinical testing. Allele origin: germline.

Laboratory for Molecular Medicine, Mass General Brigham Personalized Medicine
Classification: Uncertain significance. Last evaluated: 2014-04-28. Review status: criteria provided, single submitter. Criteria: LMM Criteria. Collection method: clinical testing. Allele origin: germline. Observed: 1 variant allele.
Comment: The Val3385Ala variant in MYO15A has not been previously reported in individuals with hearing loss, but has been identified in 0.03% (1/4034) of African America n chromosomes by the NHLBI Exome Sequencing Project (u). Computational prediction tools and conservation analyses suggest that the V al3385Ala variant may not impact the protein, though this information is not pre dictive enough to rule out pathogenicity. In summary, the clinical significance of the Val3385Ala variant is uncertain.